The following is an entry in ClinVar:

NM_000426.4(LAMA2):c.5549dup (p.Asn1850fs)

Gene: LAMA2 (laminin subunit alpha 2; plus strand). Cytogenetic location: 6q22.33.
Variant type: Duplication.
Coding change: c.5549dup on transcript NM_000426.4 (MANE Select); coding-DNA position 5549, one base duplicated (A; older notation c.5549dupA).
Protein change: p.Asn1850fs; shifts the reading frame from asparagine 1850.
Molecular consequence: frameshift variant.
Genome position (GRCh38, 1-based): chr6:129,401,327, A duplicated; the last of 2 consecutive A bases (chr6:129,401,326-129,401,327); duplicating either gives the same sequence. VCF-style (leftmost placement, unchanged base first): chr6-129401325-C-CA. GRCh37 (hg19) VCF-style: chr6-129722470-C-CA.
Other names: c.5549dup, p.Asn1850fs (NM_001079823.2); short protein forms N1850fs.
Identifiers: ClinVar variation 3618396 (VCV003618396.2).
Genomic context (GRCh38, chr6:129,401,325, plus strand): 5'-GAACACTTTAAAAGAGGGCAATGACATACTCGATGAAGCCAACCGTCTTGCAGATGAAAT[C>CA]AACTCCATCATAGACGTGAGTATTGGGTAAAACTCAAAAGAGAGATGATAATGAATAAAT-3'

ClinVar aggregate classification (germline): Pathogenic (1 of 4 stars; one submission).

Conditions:
LAMA2-related muscular dystrophy (LAMA2-RD). Also called: Laminin alpha 2-related dystrophy. Identifiers: MedGen C5679788, MONDO:0100228.

Submission:

Labcorp Genetics (formerly Invitae), Labcorp
Classification: Pathogenic for LAMA2-related muscular dystrophy. Last evaluated: 2024-03-11. Review status: criteria provided, single submitter. Criteria: Invitae Variant Classification Sherloc (09022015). Collection method: clinical testing. Allele origin: germline.
Comment: This sequence change creates a premature translational stop signal (p.Asn1850Lysfs*8) in the LAMA2 gene. It is expected to result in an absent or disrupted protein product. Loss-of-function variants in LAMA2 are known to be pathogenic (PMID: 18700894, 32904964). This variant is not present in population databases (gnomAD no frequency). This variant has not been reported in the literature in individuals affected with LAMA2-related conditions. For these reasons, this variant has been classified as Pathogenic.

Literature cited by the submitters: PubMed 18700894; PubMed 32904964.